The following is an entry in ClinVar:

NM_000142.5(FGFR3):c.1077C>T (p.Ala359=)

Gene: FGFR3 (fibroblast growth factor receptor 3; plus strand). Cytogenetic location: 4p16.3.
Variant type: single nucleotide variant.
Coding change: c.1077C>T on transcript NM_000142.5 (MANE Select); coding-DNA position 1077, C replaced by T.
Protein change: p.Ala359=; no amino-acid change (alanine 359 retained).
Molecular consequence: synonymous variant. On other transcripts: non-coding transcript variant (1), intron variant (1).
Genome position (GRCh38, 1-based): chr4:1,804,331, C>T. VCF-style: chr4-1804331-C-T. GRCh37 (hg19) VCF-style: chr4-1806058-C-T.
Other names: c.931-493C>T (NM_022965.4); c.1083C>T, p.Ala361= (NM_001163213.2); c.1077C>T, p.Ala359= (NM_001354809.2, NM_001354810.2); c.1077C>T (NM_000142.4).
Identifiers: ClinVar variation 1680058 (VCV001680058.10), dbSNP rs753880713, ClinGen allele CA2810254.
Genomic context (GRCh38, chr4:1,804,331, plus strand): 5'-CCATGGGAGCCCCGTGGGGGGGGGGGCCAGGCCAGGCCTCAACGCCCATGTCTTTGCAGC[C>T]GAGGAGGAGCTGGTGGAGGCTGACGAGGCGGGCAGTGTGTATGCAGGCATCCTCAGCTAC-3'
Protein context (NP_000133.1, residues 349-369): HHSAWLVVLP[Ala359=]EEELVEADEA

ClinVar aggregate classification (germline): Benign/Likely benign. Review status: criteria provided, multiple submitters, no conflicts (2 of 4 stars). 2 submissions from 2 submitters: Benign (1); Likely benign (1). Last evaluated 2024-12-30.

Allele frequency attached by ClinVar (database versions not stated): gnomAD exomes 0.00002; ExAC 0.00003.
gnomAD v4.1: 28 of 1,603,200 alleles (0.0017%); highest among the groups gnomAD compares: Middle Eastern, 0.017%; no homozygotes.

Submissions (2):

Athena Diagnostics
Classification: Benign. Last evaluated: 2024-12-30. Review status: criteria provided, single submitter. Criteria: Athena Diagnostics Criteria. Collection method: clinical testing. Allele origin: unknown.
Comment: The frequency of this variant in the general population is higher than would generally be expected for pathogenic variants in this gene. Computational tools yielded predictions that this variant is unlikely to have an effect on normal RNA splicing. This nucleotide position exhibits low evolutionary conservation.

Labcorp Genetics (formerly Invitae), Labcorp
Classification: Likely benign. Last evaluated: 2024-02-23. Review status: criteria provided, single submitter. Criteria: Invitae Variant Classification Sherloc (09022015). Collection method: clinical testing. Allele origin: germline.